The following is an entry in ClinVar:

ClinVar aggregate classification (germline): Uncertain significance (1 of 4 stars; one submission).

Allele frequency attached by ClinVar (database versions not stated): gnomAD 0.00001 and 0.00002; ExAC 0.00002; TOPMed 0.00002; gnomAD exomes 0.00003; 1000 Genomes Project 0.00020; 1000 Genomes Project 30x 0.00031.
gnomAD v4.1: 63 of 1,612,340 alleles (0.0039%); highest among the groups gnomAD compares: East Asian, 0.0045%; no homozygotes.

Submission:

Labcorp Genetics (formerly Invitae), Labcorp
Classification: Uncertain significance. Last evaluated: 2021-11-10. Review status: criteria provided, single submitter. Criteria: Invitae Variant Classification Sherloc (09022015). Collection method: clinical testing. Allele origin: germline.
Comment: This sequence change replaces alanine, which is neutral and non-polar, with valine, which is neutral and non-polar, at codon 199 of the NNT protein (p.Ala199Val). This variant is present in population databases (rs199621743, gnomAD 0.007%). This variant has not been reported in the literature in individuals affected with NNT-related conditions. Algorithms developed to predict the effect of missense changes on protein structure and function are either unavailable or do not agree on the potential impact of this missense change (SIFT: "Deleterious"; PolyPhen-2: "Benign"; Align-GVGD: "Class C0"). In summary, the available evidence is currently insufficient to determine the role of this variant in disease. Therefore, it has been classified as a Variant of Uncertain Significance.

NM_182977.3(NNT):c.596C>T (p.Ala199Val)

Gene: NNT (nicotinamide nucleotide transhydrogenase; plus strand). Cytogenetic location: 5p12.
Variant type: single nucleotide variant.
Coding change: c.596C>T on transcript NM_182977.3 (MANE Select); coding-DNA position 596, C replaced by T.
Protein change: p.Ala199Val; replaces alanine 199 with valine.
Molecular consequence: missense variant.
Genome position (GRCh38, 1-based): chr5:43,616,062, C>T. VCF-style: chr5-43616062-C-T. GRCh37 (hg19) VCF-style: chr5-43616164-C-T.
Other names: c.203C>T, p.Ala68Val (NM_001331026.2); c.596C>T, p.Ala199Val (NM_012343.4); short protein forms A199V, A68V.
Identifiers: ClinVar variation 1394359 (VCV001394359.3), dbSNP rs199621743, ClinGen allele CA3257742.